The following is an entry in ClinVar:

ClinVar aggregate classification (germline): Uncertain significance. Review status: criteria provided, multiple submitters, no conflicts (2 of 4 stars). 2 submissions from 2 submitters: Uncertain significance (2). Last evaluated 2022-07-19.

Conditions:
Cardiovascular phenotype. Identifiers: MedGen CN230736.
Long QT syndrome (LQTS). Identifiers: MedGen C0023976, MeSH D008133, MONDO:0002442. Disease mechanism: loss of function. Inheritance: Various modes of inheritance.

Allele frequency attached by ClinVar (database versions not stated): ExAC 0.00001; gnomAD 0.00001; gnomAD exomes 0.00001.
gnomAD v4.1: 5 of 1,614,036 alleles (0.00031%); highest among the groups gnomAD compares: East Asian, 0.0022%; no homozygotes.

Submissions (2):

Labcorp Genetics (formerly Invitae), Labcorp
Classification: Uncertain significance for Long QT syndrome. Last evaluated: 2022-07-19. Review status: criteria provided, single submitter. Criteria: Invitae Variant Classification Sherloc (09022015). Collection method: clinical testing. Allele origin: germline.
Comment: This variant is present in population databases (rs746800138, gnomAD 0.003%). In summary, the available evidence is currently insufficient to determine the role of this variant in disease. Therefore, it has been classified as a Variant of Uncertain Significance. Algorithms developed to predict the effect of missense changes on protein structure and function output the following: SIFT: "Tolerated"; PolyPhen-2: "Benign"; Align-GVGD: "Class C0". The glutamine amino acid residue is found in multiple mammalian species, which suggests that this missense change does not adversely affect protein function. ClinVar contains an entry for this variant (Variation ID: 1061671). This variant has not been reported in the literature in individuals affected with SNTA1-related conditions. This sequence change replaces arginine, which is basic and polar, with glutamine, which is neutral and polar, at codon 442 of the SNTA1 protein (p.Arg442Gln).

Ambry Genetics
Classification: Uncertain significance for Cardiovascular phenotype. Last evaluated: 2021-07-19. Review status: criteria provided, single submitter. Criteria: Ambry Variant Classification Scheme 2023. Collection method: clinical testing. Allele origin: germline.
Comment: The p.R442Q variant (also known as c.1325G>A), located in coding exon 7 of the SNTA1 gene, results from a G to A substitution at nucleotide position 1325. The arginine at codon 442 is replaced by glutamine, an amino acid with highly similar properties. This amino acid position is not well conserved in available vertebrate species, and glutamine is the reference amino acid in other vertebrate species. In addition, this alteration is predicted to be tolerated by in silico analysis. Since supporting evidence is limited at this time, the clinical significance of this alteration remains unclear.

NM_003098.3(SNTA1):c.1325G>A (p.Arg442Gln)

Gene: SNTA1 (syntrophin alpha 1; minus strand). Cytogenetic location: 20q11.21.
Variant type: single nucleotide variant.
Coding change: c.1325G>A on transcript NM_003098.3 (MANE Select); coding-DNA position 1325, G replaced by A.
Protein change: p.Arg442Gln; replaces arginine 442 with glutamine.
Molecular consequence: missense variant.
Genome position (GRCh38, 1-based): chr20:33,408,801, C>T on the plus strand (G>A on the coding strand, the complement: SNTA1 is on the minus strand). VCF-style: chr20-33408801-C-T. GRCh37 (hg19) VCF-style: chr20-31996607-C-T.
Other names: short protein forms R442Q.
Identifiers: ClinVar variation 1061671 (VCV001061671.11), dbSNP rs746800138, ClinGen allele CA9816981.